The following is an entry in ClinVar:

NM_003098.3(SNTA1):c.762G>C (p.Glu254Asp)

Gene: SNTA1 (syntrophin alpha 1; minus strand). Cytogenetic location: 20q11.21.
Variant type: single nucleotide variant.
Coding change: c.762G>C on transcript NM_003098.3 (MANE Select); coding-DNA position 762, G replaced by C.
Protein change: p.Glu254Asp; replaces glutamic acid 254 with aspartic acid.
Molecular consequence: missense variant.
Genome position (GRCh38, 1-based): chr20:33,412,722, C>G on the plus strand (G>C on the coding strand, the complement: SNTA1 is on the minus strand). VCF-style: chr20-33412722-C-G. GRCh37 (hg19) VCF-style: chr20-32000528-C-G.
Other names: c.762G>C, p.Glu254Asp (NM_001424413.1, NM_001424414.1); short protein forms E254D.
Identifiers: ClinVar variation 3321215 (VCV003321215.1).

ClinVar aggregate classification (germline): Uncertain significance (1 of 4 stars; one submission).

Conditions:
Cardiovascular phenotype. Identifiers: MedGen CN230736.

Submission:

Ambry Genetics
Classification: Uncertain significance for Cardiovascular phenotype. Last evaluated: 2024-06-07. Review status: criteria provided, single submitter. Criteria: Ambry Variant Classification Scheme 2023. Collection method: clinical testing. Allele origin: germline.
Comment: The p.E254D variant (also known as c.762G>C), located in coding exon 4 of the SNTA1 gene, results from a G to C substitution at nucleotide position 762. The glutamic acid at codon 254 is replaced by aspartic acid, an amino acid with highly similar properties. This amino acid position is conserved. In addition, this alteration is predicted to be tolerated by in silico analysis. Based on the available evidence, the clinical significance of this variant remains unclear.